The following is an entry in ClinVar:

ClinVar aggregate classification (germline): Uncertain significance. Review status: criteria provided, multiple submitters, no conflicts (2 of 4 stars). 2 submissions from 2 submitters: Uncertain significance (2). Last evaluated 2025-05-28.

Submissions (2):

Ambry Genetics
Classification: Uncertain significance. Last evaluated: 2025-05-28. Review status: criteria provided, single submitter. Criteria: Ambry Variant Classification Scheme 2023. Collection method: clinical testing. Allele origin: germline.

Greenwood Genetic Center Diagnostic Laboratories, Greenwood Genetic Center
Classification: Uncertain significance. Last evaluated: 2025-02-04. Review status: criteria provided, single submitter. Criteria: ACMG Guidelines, 2015. Collection method: clinical testing. Allele origin: germline.
Comment: PM1, PM2, BP4

NM_012310.5(KIF4A):c.3343A>C (p.Thr1115Pro)

Gene: KIF4A (kinesin family member 4A; plus strand). Cytogenetic location: Xq13.1.
Variant type: single nucleotide variant.
Coding change: c.3343A>C on transcript NM_012310.5 (MANE Select); coding-DNA position 3343, A replaced by C.
Protein change: p.Thr1115Pro; replaces threonine 1115 with proline.
Molecular consequence: missense variant.
Genome position (GRCh38, 1-based): chrX:70,417,975, A>C. VCF-style: chrX-70417975-A-C. GRCh37 (hg19) VCF-style: chrX-69637825-A-C.
Other names: short protein forms T1115P.
Identifiers: ClinVar variation 4043519 (VCV004043519.2).